The following is an entry in ClinVar:

ClinVar aggregate classification (germline): Uncertain significance (1 of 4 stars; one submission).

Allele frequency attached by ClinVar (database versions not stated): 1000 Genomes Project 30x 0.00021; TOPMed 0.00085.
gnomAD v4.1: 67 of 110,533 alleles (0.061%); highest among the groups gnomAD compares: South Asian, 0.11%; no homozygotes.

Submission:

GeneDx
Classification: Uncertain significance. Last evaluated: 2023-12-26. Review status: criteria provided, single submitter. Criteria: GeneDx Variant Classification Process June 2021. Collection method: clinical testing. Allele origin: germline. Affected: yes.
Comment: Non-canonical splice site variant demonstrated to result in loss of function (PMID: 33094873); Observed in hemizygous state in a patient with hemophilia A in the published literature (PMID: 33094873); This variant is associated with the following publications: (PMID: 33094873)

NM_000132.4(F8):c.787+1967C>T

Gene: F8 (coagulation factor VIII; minus strand). Cytogenetic location: Xq28.
Variant type: single nucleotide variant.
Coding change: c.787+1967C>T on transcript NM_000132.4 (MANE Select); 1967 bases into the intron after coding-DNA position 787, C replaced by T.
Molecular consequence: intron variant.
Genome position (GRCh38, 1-based): chrX:154,982,720, G>A on the plus strand (C>T on the coding strand, the complement: F8 is on the minus strand). VCF-style: chrX-154982720-G-A. GRCh37 (hg19) VCF-style: chrX-154210995-G-A.
Identifiers: ClinVar variation 3252987 (VCV003252987.1), dbSNP rs782076154.